The following is an entry in ClinVar:

ClinVar aggregate classification (germline): Uncertain significance (1 of 4 stars; one submission).

Conditions:
Primary ciliary dyskinesia. Also called: Ciliary dyskinesia. Identifiers: Orphanet 244, MedGen C0008780, MONDO:0016575, HP:0012265.

Submission:

Labcorp Genetics (formerly Invitae), Labcorp
Classification: Uncertain significance for Primary ciliary dyskinesia. Last evaluated: 2022-01-19. Review status: criteria provided, single submitter. Criteria: Invitae Variant Classification Sherloc (09022015). Collection method: clinical testing. Allele origin: germline.
Comment: In summary, the available evidence is currently insufficient to determine the role of this variant in disease. Therefore, it has been classified as a Variant of Uncertain Significance. Advanced modeling of protein sequence and biophysical properties (such as structural, functional, and spatial information, amino acid conservation, physicochemical variation, residue mobility, and thermodynamic stability) performed at Invitae indicates that this missense variant is expected to disrupt DNAH5 protein function. This variant has not been reported in the literature in individuals affected with DNAH5-related conditions. This variant is not present in population databases (gnomAD no frequency). This sequence change replaces tryptophan, which is neutral and slightly polar, with arginine, which is basic and polar, at codon 794 of the DNAH5 protein (p.Trp794Arg).

NM_001369.3(DNAH5):c.2380T>C (p.Trp794Arg)

Genes: DNAH5 (dynein axonemal heavy chain 5; minus strand), DNAH5-AS1 (DNAH5 antisense RNA 1; plus strand). Cytogenetic location: 5p15.2.
Variant type: single nucleotide variant.
Coding change: c.2380T>C on transcript NM_001369.3 (MANE Select); coding-DNA position 2380, T replaced by C.
Protein change: p.Trp794Arg; replaces tryptophan 794 with arginine.
Molecular consequence: missense variant.
Genome position (GRCh38, 1-based): chr5:13,894,701, A>G on the plus strand (T>C on the coding strand, the complement: DNAH5 is on the minus strand). VCF-style: chr5-13894701-A-G. GRCh37 (hg19) VCF-style: chr5-13894810-A-G.
Other names: short protein forms W794R.
Identifiers: ClinVar variation 2088113 (VCV002088113.4), dbSNP rs1182974923, ClinGen allele CA359200715.